The following is an entry in ClinVar:

NM_152536.4(FGD5):c.960C>T (p.Ser320=)

Gene: FGD5 (FYVE, RhoGEF and PH domain containing 5; plus strand). Cytogenetic location: 3p25.1.
Variant type: single nucleotide variant.
Coding change: c.960C>T on transcript NM_152536.4 (MANE Select); coding-DNA position 960, C replaced by T.
Protein change: p.Ser320=; no amino-acid change (serine 320 retained).
Molecular consequence: synonymous variant.
Genome position (GRCh38, 1-based): chr3:14,820,031, C>T. VCF-style: chr3-14820031-C-T. GRCh37 (hg19) VCF-style: chr3-14861538-C-T.
Other names: c.960C>T, p.Ser320= (NM_001320276.2).
Identifiers: ClinVar variation 2653588 (VCV002653588.24), dbSNP rs200107291, ClinGen allele CA2271368.
Genomic context (GRCh38, chr3:14,820,031, plus strand): 5'-GAAGAAAACCAACCAAGAAGTGGCAGCCGCCACCCTGGAGGACCATGCACAGGATGAGTC[C>T]GCCGAGGAGAGCTGCCAGATTGTCCCTTTTGAGAATGACTGCATGGAGGACTTCGTGACT-3'
Protein context (NP_689749.3, residues 310-330): ATLEDHAQDE[Ser320=]AEESCQIVPF

ClinVar aggregate classification (germline): Likely benign (1 of 4 stars; one submission).

Allele frequency attached by ClinVar (database versions not stated): 1000 Genomes Project 30x 0.00031; 1000 Genomes Project 0.00040; ExAC 0.00050; gnomAD 0.00060; gnomAD exomes 0.00072; ESP Exome Variant Server 0.00073.
gnomAD v4.1: 1,149 of 1,613,948 alleles (0.071%); highest among the groups gnomAD compares: Non-Finnish European, 0.086%; no homozygotes.

Submission:

CeGaT Center for Human Genetics Tuebingen
Classification: Likely benign. Last evaluated: 2022-07-01. Review status: criteria provided, single submitter. Criteria: CeGaT Center For Human Genetics Tuebingen Variant Classification Criteria Version 2. Collection method: clinical testing. Allele origin: germline. Affected: yes. Observed: 1 variant allele.
Comment: FGD5: BP4, BP7